The following is an entry in ClinVar:

ClinVar aggregate classification (germline): Pathogenic (1 of 4 stars; one submission).

Conditions:
Tuberous sclerosis 2 (TSC2). Identifiers: Orphanet 805, MedGen C1860707, MONDO:0013199, OMIM 613254.

Submission:

Labcorp Genetics (formerly Invitae), Labcorp
Classification: Pathogenic for Tuberous sclerosis 2. Last evaluated: 2022-08-22. Review status: criteria provided, single submitter. Criteria: Invitae Variant Classification Sherloc (09022015). Collection method: clinical testing. Allele origin: germline.
Comment: For these reasons, this variant has been classified as Pathogenic. Algorithms developed to predict the effect of sequence changes on RNA splicing suggest that this variant may create or strengthen a splice site. This variant has not been reported in the literature in individuals affected with TSC2-related conditions. This variant is not present in population databases (gnomAD no frequency). This sequence change creates a premature translational stop signal (p.Tyr1461*) in the TSC2 gene. It is expected to result in an absent or disrupted protein product. Loss-of-function variants in TSC2 are known to be pathogenic (PMID: 10205261, 17304050).

Literature cited by the submitters: PubMed 10205261; PubMed 17304050.

NM_000548.5(TSC2):c.4383del (p.Gly1460_Tyr1461insTer)

Gene: TSC2 (TSC complex subunit 2; plus strand). Cytogenetic location: 16p13.3.
Variant type: Deletion.
Coding change: c.4383del on transcript NM_000548.5 (MANE Select); coding-DNA position 4383, one base deleted (C; older notation c.4383delC).
Protein change: p.Gly1460_Tyr1461insTer.
Molecular consequence: nonsense. On other transcripts: frameshift variant (32).
Genome position (GRCh38, 1-based): chr16:2,084,605, C deleted. VCF-style (leftmost placement, unchanged base first): chr16-2084604-AC-A. GRCh37 (hg19) VCF-style: chr16-2134605-AC-A.
Other names: c.4182del, p.Gly1393_Tyr1394insTer (NM_001077183.3); c.4314del, p.Gly1437_Tyr1438insTer (NM_001114382.3); c.4074del, p.Gly1357_Tyr1358insTer (NM_001318827.2); c.4038del, p.Gly1345_Tyr1346insTer (NM_001318829.2); c.3651del, p.Gly1216_Tyr1217insTer (NM_001318831.2); c.4215del, p.Gly1404_Tyr1405insTer (NM_001318832.2); c.4185del, p.Gly1394_Tyr1395insTer (NM_001363528.2); c.4251del, p.Gly1416_Tyr1417insTer (NM_001370404.1); and 26 more.
Identifiers: ClinVar variation 2026284 (VCV002026284.4), dbSNP rs2544282973, ClinGen allele CA2580090968.